The following is an entry in ClinVar:

ClinVar aggregate classification (germline): Conflicting classifications of pathogenicity. Review status: criteria provided, conflicting classifications (1 of 4 stars). 11 submissions from 11 submitters: Uncertain significance (6); Likely benign (4). 1 of the submissions does not count toward it. Last evaluated 2026-09-01.

Conditions:
Inborn genetic diseases. Identifiers: MedGen C0950123, MeSH D030342.
FAT4-related disorder. Also called: FAT4-related condition.
Hennekam lymphangiectasia-lymphedema syndrome 2 (HKLLS2). Identifiers: Orphanet 2136, MedGen C4014939, MONDO:0014454, OMIM 616006.

Allele frequency attached by ClinVar (database versions not stated): 1000 Genomes Project 0.00040; 1000 Genomes Project 30x 0.00047; gnomAD exomes 0.00081 and 0.00189; ExAC 0.00094; gnomAD 0.00135 and 0.00145; TOPMed 0.00180; ESP Exome Variant Server 0.00246.
gnomAD v4.1: 2,955 of 1,613,316 alleles (0.18%); highest among the groups gnomAD compares: Non-Finnish European, 0.23%; 7 homozygotes.

Submissions (11):

CeGaT Center for Human Genetics Tuebingen
Classification: Likely benign. Last evaluated: 2026-09-01. Review status: criteria provided, single submitter. Criteria: CeGaT Center For Human Genetics Tuebingen Variant Classification Criteria Version 2. Collection method: clinical testing. Allele origin: germline. Affected: yes. Observed: 3 variant alleles.
Comment: FAT4: BS2

Labcorp Genetics (formerly Invitae), Labcorp
Classification: Likely benign. Last evaluated: 2026-02-01. Review status: criteria provided, single submitter. Criteria: Invitae Variant Classification Sherloc (09022015). Collection method: clinical testing. Allele origin: germline.

Women's Health and Genetics/Laboratory Corporation of America, LabCorp
Classification: Likely benign. Last evaluated: 2025-02-06. Review status: criteria provided, single submitter. Criteria: LabCorp Variant Classification Summary - May 2015. Collection method: clinical testing. Allele origin: germline.
Comment: Variant summary: FAT4 c.5275A>G (p.Ile1759Val) results in a conservative amino acid change in the encoded protein sequence. Three of five in-silico tools predict a benign effect of the variant on protein function. The variant allele was found at a frequency of 0.00081 in 250662 control chromosomes, predominantly at a frequency of 0.0014 within the Non-Finnish European subpopulation in the gnomAD database. This frequency is not significantly higher than estimated for a pathogenic variant in FAT4 causing FAT4-Related Disorders, allowing no conclusion about variant significance. In gnomAD v4, a total of 7 homozygotes have been identified. c.5275A>G has been reported at a homozygous state in the literature in one individual affected with autism, co-occurring with other pathogenic variant (WAC c.576_585del, p.Q192fs*31) that may fully explain the ASD phenotype. Such evidence provided supporting evidence for a benign role of this variant (Tammimies_2015). To our knowledge, no experimental evidence demonstrating an impact on protein function has been reported. The following publication has been ascertained in the context of this evaluation (PMID: 26325558). ClinVar contains an entry for this variant (Variation ID: 376888). Based on the evidence outlined above, the variant was classified as likely benign.

ARUP Laboratories, Molecular Genetics and Genomics, ARUP Laboratories
Classification: Uncertain significance. Last evaluated: 2023-11-07. Review status: criteria provided, single submitter. Criteria: ARUP Molecular Germline Variant Investigation Process 2024. Collection method: clinical testing. Allele origin: germline.

GeneDx
Classification: Uncertain significance. Last evaluated: 2022-08-18. Review status: criteria provided, single submitter. Criteria: GeneDx Variant Classification Process June 2021. Collection method: clinical testing. Allele origin: germline. Affected: yes.
Comment: Reported previously in the homozygous state in an individual with autism spectrum disorder; however this individual also harbored a de novo frameshift variant in the WAC gene (Tammimies et al., 2015); In silico analysis supports that this missense variant does not alter protein structure/function; This variant is associated with the following publications: (PMID: 26325558, 34426522)

Ambry Genetics
Classification: Likely benign for Inborn genetic diseases. Last evaluated: 2022-06-06. Review status: criteria provided, single submitter. Criteria: Ambry Variant Classification Scheme 2023. Collection method: clinical testing. Allele origin: germline.

Revvity Omics, Revvity
Classification: Uncertain significance. Last evaluated: 2019-12-03. Review status: criteria provided, single submitter. Criteria: ACMG Guidelines, 2015. Collection method: clinical testing. Allele origin: germline.

Knight Diagnostic Laboratories, Oregon Health and Sciences University
Classification: Uncertain significance for Hennekam lymphangiectasia-lymphedema syndrome 2. Last evaluated: 2019-03-21. Review status: criteria provided, single submitter. Criteria: ACMG Guidelines, 2015. Collection method: clinical testing. Allele origin: germline. Observed: 1 variant allele.

Center for Pediatric Genomic Medicine, Children's Mercy Hospital and Clinics
Classification: Uncertain significance. Last evaluated: 2017-01-17. Review status: criteria provided, single submitter. Criteria: ACMG Guidelines, 2015. Collection method: clinical testing. Allele origin: germline.
ClinVar note: Converted during submission from Uncertain Significance to Uncertain significance.

Genetic Services Laboratory, University of Chicago
Classification: Uncertain significance. Last evaluated: 2016-12-20. Review status: criteria provided, single submitter. Criteria: ACMG Guidelines, 2015. Collection method: clinical testing. Allele origin: germline. Affected: no.

PreventionGenetics, part of Exact Sciences
Classification: Likely benign for FAT4-related condition. Last evaluated: 2022-03-02. Review status: no assertion criteria provided. Collection method: clinical testing. Allele origin: germline. Not counted in ClinVar's aggregate classification.
Comment: This variant is classified as likely benign based on ACMG/AMP sequence variant interpretation guidelines (Richards et al. 2015 PMID: 25741868, with internal and published modifications).

Literature cited by the submitters: PubMed 26325558 (cited by Women's Health and Genetics/Laboratory Corporation of America, LabCorp and Ambry Genetics).

NM_001291303.3(FAT4):c.5275A>G (p.Ile1759Val)

Gene: FAT4 (FAT atypical cadherin 4; plus strand). Cytogenetic location: 4q28.1.
Variant type: single nucleotide variant.
Coding change: c.5275A>G on transcript NM_001291303.3 (MANE Select); coding-DNA position 5275, A replaced by G.
Protein change: p.Ile1759Val; replaces isoleucine 1759 with valine.
Molecular consequence: missense variant.
Genome position (GRCh38, 1-based): chr4:125,398,883, A>G. VCF-style: chr4-125398883-A-G. GRCh37 (hg19) VCF-style: chr4-126320038-A-G.
Other names: c.5275A>G (NM_001291303.1); c.5275A>G, p.Ile1759Val (NM_001291285.3, NM_024582.6); short protein forms I1759V.
Identifiers: ClinVar variation 376888 (VCV000376888.55), dbSNP rs145639192, ClinGen allele CA3072652.
Genomic context (GRCh38, chr4:125,398,883, plus strand): 5'-GTATTTCCAACGGACATGCTGGATCTCACGGTAGAGGAGAACATTGGAGATGGCTCTAAG[A>G]TTATGCAGCTGACAGCCATGGATGCTGATGAGGTAGCTCAAGCATGTCTCTGAATTTGTG-3'
Protein context (NP_001278232.1, residues 1749-1769): VEENIGDGSK[Ile1759Val]MQLTAMDADE